The following is an entry in ClinVar:

NM_000368.5(TSC1):c.508+6G>C

Gene: TSC1 (TSC complex subunit 1; minus strand). Cytogenetic location: 9q34.13.
Variant type: single nucleotide variant.
Coding change: c.508+6G>C on transcript NM_000368.5 (MANE Select); 6 bases into the intron after coding-DNA position 508, G replaced by C.
Molecular consequence: intron variant.
Genome position (GRCh38, 1-based): chr9:132,923,342, C>G on the plus strand (G>C on the coding strand, the complement: TSC1 is on the minus strand). VCF-style: chr9-132923342-C-G. GRCh37 (hg19) VCF-style: chr9-135798729-C-G.
Other names: c.145+6G>C (NM_001362177.2); c.355+6G>C (NM_001162427.2); c.508+6G>C (NM_001162426.2).
Identifiers: ClinVar variation 1017167 (VCV001017167.8), dbSNP rs1846668717, ClinGen allele CA1882422563.
Genomic context (GRCh38, chr9:132,923,342, plus strand): 5'-AGCAATTAATCAATAATGAAAGCATTCACCTCACAGGGCCCAACAGGTATATGAGGAGAT[C>G]TGTACCTGGTTTCTTCAGGCACCATGATGACAGACGGCCAAAAATGTCAAAGAAATCAAG-3'

ClinVar aggregate classification (germline): Uncertain significance (1 of 4 stars; one submission).

Conditions:
Tuberous sclerosis 1 (TSC1). Identifiers: Orphanet 805, MedGen C1854465, MONDO:0008612, OMIM 191100.

Submission:

Labcorp Genetics (formerly Invitae), Labcorp
Classification: Uncertain significance for Tuberous sclerosis 1. Last evaluated: 2020-06-03. Review status: criteria provided, single submitter. Criteria: Invitae Variant Classification Sherloc (09022015). Collection method: clinical testing. Allele origin: germline.
Comment: This sequence change falls in intron 6 of the TSC1 gene. It does not directly change the encoded amino acid sequence of the TSC1 protein, but it affects a nucleotide within the consensus splice site of the intron. This variant is not present in population databases (ExAC no frequency). This variant has not been reported in the literature in individuals with TSC1-related conditions. Nucleotide substitutions within the consensus splice site are a relatively common cause of aberrant splicing (PMID: 17576681, 9536098). Algorithms developed to predict the effect of sequence changes on RNA splicing suggest that this variant may disrupt the consensus splice site, but this prediction has not been confirmed by published transcriptional studies. In summary, the available evidence is currently insufficient to determine the role of this variant in disease. Therefore, it has been classified as a Variant of Uncertain Significance.

Literature cited by the submitters: PubMed 17576681; PubMed 9536098.